The following is an entry in ClinVar:

ClinVar aggregate classification (germline): Uncertain significance (1 of 4 stars; one submission).

Conditions:
Cardiomyopathy (CMYO). Also called: Cardiomyopathies. Identifiers: Orphanet 167848, MedGen C0878544, MONDO:0004994, HP:0001638. Inheritance: Various modes of inheritance.

Submission:

Color Diagnostics, LLC DBA Color Health
Classification: Uncertain significance for Cardiomyopathy. Last evaluated: 2025-05-12. Review status: criteria provided, single submitter. Criteria: ACMG Guidelines, 2015. Collection method: clinical testing. Allele origin: germline.
Comment: This missense variant replaces leucine with methionine at codon 2198 of the DSP protein. Computational prediction suggests that this variant may not impact protein structure and function. To our knowledge, functional studies have not been reported for this variant. This variant has not been reported in individuals affected with DSP-related disorders in the literature. This variant has not been identified in the general population by the Genome Aggregation Database (gnomAD). The available evidence is insufficient to determine the role of this variant in disease conclusively. Therefore, this variant is classified as a Variant of Uncertain Significance.

NM_004415.4(DSP):c.6592C>A (p.Leu2198Met)

Gene: DSP (desmoplakin; plus strand). Cytogenetic location: 6p24.3.
Variant type: single nucleotide variant.
Coding change: c.6592C>A on transcript NM_004415.4 (MANE Select); coding-DNA position 6592, C replaced by A.
Protein change: p.Leu2198Met; replaces leucine 2198 with methionine.
Molecular consequence: missense variant.
Genome position (GRCh38, 1-based): chr6:7,583,854, C>A. VCF-style: chr6-7583854-C-A. GRCh37 (hg19) VCF-style: chr6-7584087-C-A.
Other names: c.4795C>A, p.Leu1599Met (NM_001008844.3); c.5263C>A, p.Leu1755Met (NM_001319034.2); short protein forms L1599M, L1755M, L2198M.
Identifiers: ClinVar variation 4756736 (VCV004756736.1).
Genomic context (GRCh38, chr6:7,583,854, plus strand): 5'-AAAAAGAAGGTCAGTTACGTGCAGCTGAAGGAACGGTGCAGAATCGAACCACATACTGGT[C>A]TGCTCTTGCTTTCAGTACAGAAGAGAAGCATGTCCTTCCAAGGAATCAGACAACCTGTGA-3'
Protein context (NP_004406.2, residues 2188-2208): ERCRIEPHTG[Leu2198Met]LLLSVQKRSM